The following is an entry in ClinVar:

NM_024989.4(PGAP1):c.153A>G (p.Ile51Met)

Gene: PGAP1 (post-GPI attachment to proteins inositol deacylase 1; minus strand). Cytogenetic location: 2q33.1.
Variant type: single nucleotide variant.
Coding change: c.153A>G on transcript NM_024989.4 (MANE Select); coding-DNA position 153, A replaced by G.
Protein change: p.Ile51Met; replaces isoleucine 51 with methionine.
Molecular consequence: missense variant. On other transcripts: 5 prime UTR variant (2).
Genome position (GRCh38, 1-based): chr2:196,920,145, T>C on the plus strand (A>G on the coding strand, the complement: PGAP1 is on the minus strand). VCF-style: chr2-196920145-T-C. GRCh37 (hg19) VCF-style: chr2-197784869-T-C.
Other names: c.153A>G (NM_024989.3); c.-370A>G (NM_001321099.2); c.-959A>G (NM_001321100.2); short protein forms I51M.
Identifiers: ClinVar variation 1038210 (VCV001038210.9), dbSNP rs777153886, ClinGen allele CA2041269.

ClinVar aggregate classification (germline): Uncertain significance. Review status: criteria provided, multiple submitters, no conflicts (2 of 4 stars). 3 submissions from 3 submitters: Uncertain significance (3). Last evaluated 2025-08-23.

Conditions:
Inborn genetic diseases. Identifiers: MedGen C0950123, MeSH D030342.
Intellectual disability, autosomal recessive 42 (NEDDSBA). Also called: Neurodevelopmental disorder with dysmorphic features, spasticity, and brain abnormalities; GLYCOSYLPHOSPHATIDYLINOSITOL BIOSYNTHESIS DEFECT 9. Identifiers: Orphanet 88616, MedGen C4014343, MONDO:0014348, OMIM 615802.

Allele frequency attached by ClinVar (database versions not stated): gnomAD 0.00003 and 0.00002; gnomAD exomes 0.00003 and 0.00002; TOPMed 0.00006; ExAC 0.00002.
gnomAD v4.1: 13 of 1,598,984 alleles (0.00081%); highest among the groups gnomAD compares: Admixed American, 0.019%; no homozygotes.

Submissions (3):

Ambry Genetics
Classification: Uncertain significance for Inborn genetic diseases. Last evaluated: 2025-08-23. Review status: criteria provided, single submitter. Criteria: Ambry Variant Classification Scheme 2023. Collection method: clinical testing. Allele origin: germline.

GeneDx
Classification: Uncertain significance. Last evaluated: 2024-07-24. Review status: criteria provided, single submitter. Criteria: GeneDx Variant Classification Process June 2021. Collection method: clinical testing. Allele origin: germline. Affected: yes.
Comment: In silico analysis indicates that this missense variant does not alter protein structure/function; Has not been previously published as pathogenic or benign to our knowledge

Labcorp Genetics (formerly Invitae), Labcorp
Classification: Uncertain significance for Intellectual disability, autosomal recessive 42. Last evaluated: 2022-07-21. Review status: criteria provided, single submitter. Criteria: Invitae Variant Classification Sherloc (09022015). Collection method: clinical testing. Allele origin: germline.
Comment: This sequence change replaces isoleucine, which is neutral and non-polar, with methionine, which is neutral and non-polar, at codon 51 of the PGAP1 protein (p.Ile51Met). This variant is present in population databases (rs777153886, gnomAD 0.03%). This variant has not been reported in the literature in individuals affected with PGAP1-related conditions. ClinVar contains an entry for this variant (Variation ID: 1038210). Algorithms developed to predict the effect of missense changes on protein structure and function are either unavailable or do not agree on the potential impact of this missense change (SIFT: "Deleterious"; PolyPhen-2: "Probably Damaging"; Align-GVGD: "Class C0"). In summary, the available evidence is currently insufficient to determine the role of this variant in disease. Therefore, it has been classified as a Variant of Uncertain Significance.